The following is an entry in ClinVar:

NM_017677.4(MTMR8):c.-9A>T

Genes: MTMR8 (myotubularin related protein 8; minus strand), LOC130068370 (ATAC-STARR-seq lymphoblastoid active region 29710; plus strand). Cytogenetic location: Xq11.2.
Variant type: single nucleotide variant.
Coding change: c.-9A>T on transcript NM_017677.4 (MANE Select); 9 bases upstream of the start codon, A replaced by T.
Molecular consequence: 5 prime UTR variant.
Genome position (GRCh38, 1-based): chrX:64,395,372, T>A on the plus strand (A>T on the coding strand, the complement: MTMR8 is on the minus strand). VCF-style: chrX-64395372-T-A. GRCh37 (hg19) VCF-style: chrX-63615252-T-A.
Identifiers: ClinVar variation 3053545 (VCV003053545.2), dbSNP rs368557871, ClinGen allele CA10433341.

ClinVar aggregate classification (germline): Likely benign (0 of 4 stars; one submission).

Conditions:
MTMR8-related disorder. Also called: MTMR8-related condition.

Allele frequency attached by ClinVar (database versions not stated): gnomAD exomes 0.00001; TOPMed 0.00001; ExAC 0.00002; gnomAD 0.00003; 1000 Genomes Project 0.00079.
gnomAD v4.1: 19 of 1,081,840 alleles (0.0018%); highest among the groups gnomAD compares: East Asian, 0.025%; no homozygotes.

Submission:

PreventionGenetics, part of Exact Sciences
Classification: Likely benign for MTMR8-related condition. Last evaluated: 2019-08-21. Review status: no assertion criteria provided. Collection method: clinical testing. Allele origin: germline.
Comment: This variant is classified as likely benign based on ACMG/AMP sequence variant interpretation guidelines (Richards et al. 2015 PMID: 25741868, with internal and published modifications).